The following is an entry in ClinVar:

NM_000543.5(SMPD1):c.1340+8G>A

Gene: SMPD1 (sphingomyelin phosphodiesterase 1; plus strand). Cytogenetic location: 11p15.4.
Variant type: single nucleotide variant.
Coding change: c.1340+8G>A on transcript NM_000543.5 (MANE Select); 8 bases into the intron after coding-DNA position 1340, G replaced by A.
Molecular consequence: intron variant.
Genome position (GRCh38, 1-based): chr11:6,393,701, G>A. VCF-style: chr11-6393701-G-A. GRCh37 (hg19) VCF-style: chr11-6414931-G-A.
Other names: c.419+8G>A (NM_001318088.2); c.1208+8G>A (NM_001365135.2); c.1340+8G>A (NM_001318087.2); c.1337+8G>A (NM_001007593.3).
Identifiers: ClinVar variation 305203 (VCV000305203.14), dbSNP rs373742012, ClinGen allele CA5852857.

ClinVar aggregate classification (germline): Conflicting classifications of pathogenicity. Review status: criteria provided, conflicting classifications (1 of 4 stars). 3 submissions from 3 submitters: Uncertain significance (1); Likely benign (2). Last evaluated 2025-01-27.

Conditions:
SMPD1-related disorder. Also called: SMPD1-related condition.
Niemann-Pick disease, type A. Also called: Infantile Neurovisceral ASMD (Niemann-Pick Disease Type A; NPD-A); SPHINGOMYELIN LIPIDOSIS; SPHINGOMYELINASE DEFICIENCY. Identifiers: Orphanet 77292, MedGen C0268242, MONDO:0009756, OMIM 257200. Disease mechanism: loss of function.
Niemann-Pick disease, type B. Also called: Chronic Visceral ASMD (Niemann-Pick Disease Type B; NPD-B). Identifiers: Orphanet 77293, MedGen C0268243, MONDO:0011871, OMIM 607616. Disease mechanism: loss of function.

Allele frequency attached by ClinVar (database versions not stated): gnomAD 0.00002; TOPMed 0.00002; ExAC 0.00003; gnomAD exomes 0.00003 and 0.00004; ESP Exome Variant Server 0.00015.
gnomAD v4.1: 56 of 1,611,446 alleles (0.0035%); highest among the groups gnomAD compares: East Asian, 0.0089%; no homozygotes.

Submissions (3):

PreventionGenetics, part of Exact Sciences
Classification: Likely benign for SMPD1-related condition. Last evaluated: 2025-01-27. Review status: criteria provided, single submitter. Criteria: ACMG Guidelines, 2015. Collection method: clinical testing. Allele origin: germline.
Comment: This variant is classified as likely benign based on ACMG/AMP sequence variant interpretation guidelines (Richards et al. 2015 PMID: 25741868, with internal and published modifications).

Labcorp Genetics (formerly Invitae), Labcorp
Classification: Likely benign for Niemann-Pick disease, type B; Niemann-Pick disease, type A. Last evaluated: 2024-02-23. Review status: criteria provided, single submitter. Criteria: Invitae Variant Classification Sherloc (09022015). Collection method: clinical testing. Allele origin: germline.

Illumina Laboratory Services, Illumina
Classification: Uncertain significance for Niemann-Pick disease, type A. Last evaluated: 2018-01-13. Review status: criteria provided, single submitter. Criteria: ICSL Variant Classification Criteria 13 December 2019. Collection method: clinical testing. Allele origin: germline.